The following is an entry in ClinVar:

ClinVar aggregate classification (germline): Pathogenic (1 of 4 stars; one submission).

Conditions:
GLUT1 deficiency syndrome 1, autosomal recessive. Identifiers: MedGen C3149117.

Submission:

Labcorp Genetics (formerly Invitae), Labcorp
Classification: Pathogenic for GLUT1 deficiency syndrome 1, autosomal recessive. Last evaluated: 2019-06-03. Review status: criteria provided, single submitter. Criteria: Invitae Variant Classification Sherloc (09022015). Collection method: clinical testing. Allele origin: germline.
Comment: This variant is a gross deletion of the genomic region encompassing exon 1 of the SLC2A1 gene, which includes the initiator codon. The 5' end of this event is unknown as it extends beyond the assayed region for this gene and therefore may encompass additional genes. The 3' boundary is likely confined to intron 1of the SLC2A1 gene. This is expected to result in an absent or disrupted protein product. This variant has not been reported in the literature in individuals with SLC2A1-related conditions. Loss-of-function variants in SLC2A1 are known to be pathogenic (PMID: 21832227, 26193382). For these reasons, this variant has been classified as Pathogenic.

NC_000001.11:g.(?_42958614)_(42958671_?)del

Gene: SLC2A1 (solute carrier family 2 member 1; minus strand). Cytogenetic location: 1p34.2.
Variant type: Deletion.
Identifiers: ClinVar variation 832366 (VCV000832366.1).